The following is an entry in ClinVar:

ClinVar aggregate classification (germline): Likely benign. Review status: criteria provided, multiple submitters, no conflicts (2 of 4 stars). 3 submissions from 3 submitters: Likely benign (2). 1 of the submissions does not count toward it. Last evaluated 2025-03-01.

Conditions:
NUBPL-related disorder. Also called: NUBPL-related condition.

Allele frequency attached by ClinVar (database versions not stated): ExAC 0.00008; ESP Exome Variant Server 0.00008; gnomAD 0.00039 and 0.00041; TOPMed 0.00043; 1000 Genomes Project 0.00060; 1000 Genomes Project 30x 0.00109.
gnomAD v4.1: 128 of 1,614,048 alleles (0.0079%); highest among the groups gnomAD compares: African/African-American, 0.16%; no homozygotes.

Submissions (3):

CeGaT Center for Human Genetics Tuebingen
Classification: Likely benign. Last evaluated: 2025-03-01. Review status: criteria provided, single submitter. Criteria: CeGaT Center For Human Genetics Tuebingen Variant Classification Criteria Version 2. Collection method: clinical testing. Allele origin: germline. Affected: yes. Observed: 1 variant allele.
Comment: NUBPL: BP4, BP7

Labcorp Genetics (formerly Invitae), Labcorp
Classification: Likely benign. Last evaluated: 2024-01-23. Review status: criteria provided, single submitter. Criteria: Invitae Variant Classification Sherloc (09022015). Collection method: clinical testing. Allele origin: germline.

PreventionGenetics, part of Exact Sciences
Classification: Likely benign for NUBPL-related condition. Last evaluated: 2020-05-18. Review status: no assertion criteria provided. Collection method: clinical testing. Allele origin: germline. Not counted in ClinVar's aggregate classification.
Comment: This variant is classified as likely benign based on ACMG/AMP sequence variant interpretation guidelines (Richards et al. 2015 PMID: 25741868, with internal and published modifications).

NM_025152.3(NUBPL):c.627G>A (p.Thr209=)

Gene: NUBPL (NUBP iron-sulfur cluster assembly factor, mitochondrial; plus strand). Cytogenetic location: 14q12.
Variant type: single nucleotide variant.
Coding change: c.627G>A on transcript NM_025152.3 (MANE Select); coding-DNA position 627, G replaced by A.
Protein change: p.Thr209=; no amino-acid change (threonine 209 retained).
Molecular consequence: synonymous variant. On other transcripts: non-coding transcript variant (1).
Genome position (GRCh38, 1-based): chr14:31,826,648, G>A. VCF-style: chr14-31826648-G-A. GRCh37 (hg19) VCF-style: chr14-32295854-G-A.
Other names: c.339G>A, p.Thr113= (NM_001201573.2); c.78G>A, p.Thr26= (NM_001201574.2).
Identifiers: ClinVar variation 741088 (VCV000741088.18), dbSNP rs76401646, ClinGen allele CA7147935.